The following is an entry in ClinVar:

NM_016343.4(CENPF):c.9233G>A (p.Arg3078Lys)

Gene: CENPF (centromere protein F; plus strand). Cytogenetic location: 1q41.
Variant type: single nucleotide variant.
Coding change: c.9233G>A on transcript NM_016343.4 (MANE Select); coding-DNA position 9233, G replaced by A.
Protein change: p.Arg3078Lys; replaces arginine 3078 with lysine.
Molecular consequence: missense variant.
Genome position (GRCh38, 1-based): chr1:214,663,682, G>A. VCF-style: chr1-214663682-G-A. GRCh37 (hg19) VCF-style: chr1-214837025-G-A.
Other names: short protein forms R3078K.
Identifiers: ClinVar variation 2471614 (VCV002471614.3), dbSNP rs144164373, ClinGen allele CA1391607.

ClinVar aggregate classification (germline): Uncertain significance. Review status: criteria provided, multiple submitters, no conflicts (2 of 4 stars). 2 submissions from 2 submitters: Uncertain significance (2). Last evaluated 2023-03-02.

Conditions:
Inborn genetic diseases. Identifiers: MedGen C0950123, MeSH D030342.

Allele frequency attached by ClinVar (database versions not stated): gnomAD exomes 0.00001; ExAC 0.00002; ESP Exome Variant Server 0.00008; TOPMed 0.00015; gnomAD 0.00016.
gnomAD v4.1: 38 of 1,614,086 alleles (0.0024%); highest among the groups gnomAD compares: African/African-American, 0.044%; no homozygotes.

Submissions (2):

Ambry Genetics
Classification: Uncertain significance for Inborn genetic diseases. Last evaluated: 2023-03-02. Review status: criteria provided, single submitter. Criteria: Ambry Variant Classification Scheme 2023. Collection method: clinical testing. Allele origin: germline.

GeneDx
Classification: Uncertain significance. Last evaluated: 2022-12-13. Review status: criteria provided, single submitter. Criteria: GeneDx Variant Classification Process June 2021. Collection method: clinical testing. Allele origin: germline. Affected: yes.
Comment: In silico analysis supports that this missense variant does not alter protein structure/function; Has not been previously published as pathogenic or benign to our knowledge